The following is an entry in ClinVar:

NM_016341.4(PLCE1):c.1405T>A (p.Ser469Thr)

Gene: PLCE1 (phospholipase C epsilon 1; plus strand). Cytogenetic location: 10q23.33.
Variant type: single nucleotide variant.
Coding change: c.1405T>A on transcript NM_016341.4 (MANE Select); coding-DNA position 1405, T replaced by A.
Protein change: p.Ser469Thr; replaces serine 469 with threonine.
Molecular consequence: missense variant.
Genome position (GRCh38, 1-based): chr10:94,132,372, T>A. VCF-style: chr10-94132372-T-A. GRCh37 (hg19) VCF-style: chr10-95892129-T-A.
Other names: c.481T>A, p.Ser161Thr (NM_001165979.2); c.1405T>A, p.Ser469Thr (NM_001288989.2); short protein forms S469T, S161T.
Identifiers: ClinVar variation 260711 (VCV000260711.23), dbSNP rs17508082, ClinGen allele CA5612366.

ClinVar aggregate classification (germline): Benign/Likely benign. Review status: criteria provided, multiple submitters, no conflicts (2 of 4 stars). 11 submissions from 11 submitters: Benign (6); Likely benign (3). 2 of the submissions do not count toward it. Last evaluated 2026-02-01.

Conditions:
Focal segmental glomerulosclerosis (FSGS). Also called: Glomerulosclerosis, focal; Focal sclerosis with hyalinosis. Identifiers: MedGen C0017668, MONDO:0100313, HP:0000097. Disease mechanism: loss of function.
Nephrotic syndrome, type 3 (NPHS3). Also called: NEPHROTIC SYNDROME, EARLY-ONSET, TYPE 3. Identifiers: Orphanet 656, MedGen C1853124, MONDO:0012546, OMIM 610725.

Allele frequency attached by ClinVar (database versions not stated): gnomAD 0.02936 and 0.02979; ESP Exome Variant Server 0.03021; TOPMed 0.03055; gnomAD exomes 0.03111 and 0.03586; ExAC 0.03129; 1000 Genomes Project 0.01717; 1000 Genomes Project 30x 0.01811.
gnomAD v4.1: 56,909 of 1,613,938 alleles (3.5%); highest among the groups gnomAD compares: Middle Eastern, 4.7%; 1,176 homozygotes.

Submissions (11):

Labcorp Genetics (formerly Invitae), Labcorp
Classification: Benign. Last evaluated: 2026-02-01. Review status: criteria provided, single submitter. Criteria: Invitae Variant Classification Sherloc (09022015). Collection method: clinical testing. Allele origin: germline.

Blueprint Genetics
Classification: Likely benign. Last evaluated: 2024-11-27. Review status: criteria provided, single submitter. Criteria: ACMG Guidelines, 2015. Collection method: clinical testing. Allele origin: germline.

Mayo Clinic Laboratories, Mayo Clinic
Classification: Benign. Last evaluated: 2024-04-10. Review status: criteria provided, single submitter. Criteria: ACMG Guidelines, 2015. Collection method: clinical testing. Allele origin: germline. Observed: 11 variant alleles.
Comment: BS1, BS2, BP4

GeneDx
Classification: Likely benign. Last evaluated: 2021-03-05. Review status: criteria provided, single submitter. Criteria: GeneDx Variant Classification Process June 2021. Collection method: clinical testing. Allele origin: germline. Affected: yes.

Genome Diagnostics Laboratory, The Hospital for Sick Children
Classification: Benign for Focal segmental glomerulosclerosis. Last evaluated: 2020-11-26. Review status: criteria provided, single submitter. Criteria: ACMG Guidelines, 2015. Collection method: clinical testing. Allele origin: germline.

Athena Diagnostics
Classification: Benign. Last evaluated: 2018-03-27. Review status: criteria provided, single submitter. Criteria: Athena Diagnostics Criteria. Collection method: clinical testing. Allele origin: germline.

Illumina Laboratory Services, Illumina
Classification: Benign for Nephrotic syndrome, type 3. Last evaluated: 2018-01-13. Review status: criteria provided, single submitter. Criteria: ICSL Variant Classification Criteria 13 December 2019. Collection method: clinical testing. Allele origin: germline.
Comment: This variant was observed in the ICSL laboratory as part of a predisposition screen in an ostensibly healthy population. It had not been previously curated by ICSL or reported in the Human Gene Mutation Database (HGMD: prior to June 1st, 2018), and was therefore a candidate for classification through an automated scoring system. Utilizing variant allele frequency, disease prevalence and penetrance estimates, and inheritance mode, an automated score was calculated to assess if this variant is too frequent to cause the disease. Based on the score and internal cut-off values, a variant classified as benign is not then subjected to further curation. The score for this variant resulted in a classification of benign for this disease.

Breakthrough Genomics
Classification: Likely benign. Review status: criteria provided, single submitter. Criteria: ACMG Guidelines, 2015. Collection method: not provided. Allele origin: germline. Inheritance: Autosomal recessive inheritance. Affected: yes.

PreventionGenetics, part of Exact Sciences
Classification: Benign. Review status: criteria provided, single submitter. Criteria: ACMG Guidelines, 2015. Collection method: clinical testing. Allele origin: germline.

Genome Diagnostics Laboratory, University Medical Center Utrecht
Classification: Benign. Review status: no assertion criteria provided. Collection method: clinical testing. Allele origin: germline. Affected: yes. Study: VKGL Data-share Consensus. Not counted in ClinVar's aggregate classification.

Joint Genome Diagnostic Labs from Nijmegen and Maastricht, Radboudumc and MUMC+
Classification: Benign. Review status: no assertion criteria provided. Collection method: clinical testing. Allele origin: germline. Affected: yes. Study: VKGL Data-share Consensus. Not counted in ClinVar's aggregate classification.

Literature cited by the submitters: PubMed 31308072 (cited by Mayo Clinic Laboratories, Mayo Clinic); PubMed 36743378 (cited by Mayo Clinic Laboratories, Mayo Clinic); PubMed 18975016 (cited by Athena Diagnostics).